The following is an entry in ClinVar:

ClinVar aggregate classification (germline): Uncertain significance (1 of 4 stars; one submission).

Conditions:
Cardiomyopathy (CMYO). Also called: Cardiomyopathies. Identifiers: Orphanet 167848, MedGen C0878544, MONDO:0004994, HP:0001638. Inheritance: Various modes of inheritance.

Submission:

Color Diagnostics, LLC DBA Color Health
Classification: Uncertain significance for Cardiomyopathy. Last evaluated: 2023-07-17. Review status: criteria provided, single submitter. Criteria: ACMG Guidelines, 2015. Collection method: clinical testing. Allele origin: germline.
Comment: This variant deletes 2 nucleotides in exon 22 of the RYR2 gene, creating a frameshift and premature translation stop signal. This variant is expected to result in an absent or non-functional protein product. To our knowledge, this variant has not been reported in individuals affected with RYR2-related disorders in the literature. This variant has not been identified in the general population by the Genome Aggregation Database (gnomAD). The role of loss-of-function RYR2 truncation variants in cardiovascular disorders is not clearly understood. The available evidence is insufficient to determine the role of this variant in disease conclusively. Therefore, this variant is classified as a Variant of Uncertain Significance.

NM_001035.3(RYR2):c.2445_2446del (p.Pro816fs)

Gene: RYR2 (ryanodine receptor 2; plus strand). Cytogenetic location: 1q43.
Variant type: Deletion.
Coding change: c.2445_2446del on transcript NM_001035.3 (MANE Select); coding-DNA positions 2445 to 2446, 2 bases deleted (TC; older notation c.2445_2446delTC).
Protein change: p.Pro816fs; shifts the reading frame from proline 816.
Molecular consequence: frameshift variant.
Genome position (GRCh38, 1-based): chr1:237,503,337-237,503,338, TC deleted; deleting any 2 consecutive bases within chr1:237,503,336-237,503,338 gives the same sequence; the c. name uses the placement nearest the transcript's 3' end. VCF-style (leftmost placement, unchanged base first): chr1-237503335-CCT-C. GRCh37 (hg19) VCF-style: chr1-237666635-CCT-C.
Other names: short protein forms P816fs.
Identifiers: ClinVar variation 2774265 (VCV002774265.2), dbSNP rs2545890260, ClinGen allele CA2697547728.
Genomic context (GRCh38, chr1:237,503,335, plus strand): 5'-TGCATCCTCTTTAGAGTACGCTTTCTGCTTGGAGGGCGACATGGAGAATTCAAATTTCTT[CCT>C]CCACCTGGGTATGCTCCTTGTTATGAAGCTGTTCTGCCAAAAGAAAAGTTGAAAGTGGAA-3'